The following is an entry in ClinVar:

ClinVar aggregate classification (germline): Pathogenic (1 of 4 stars; one submission).

Conditions:
Neuronal ceroid lipofuscinosis 7 (CLN7). Also called: MFSD8-Related Neuronal Ceroid-Lipofuscinosis. Identifiers: Orphanet 168491, Orphanet 228366, MedGen C1838571, MONDO:0012588, OMIM 610951.

Submission:

Labcorp Genetics (formerly Invitae), Labcorp
Classification: Pathogenic for Neuronal ceroid lipofuscinosis 7. Last evaluated: 2025-04-08. Review status: criteria provided, single submitter. Criteria: Invitae Variant Classification Sherloc (09022015). Collection method: clinical testing. Allele origin: germline.
Comment: This sequence change creates a premature translational stop signal (p.Ile364Tyrfs*50) in the MFSD8 gene. It is expected to result in an absent or disrupted protein product. Loss-of-function variants in MFSD8 are known to be pathogenic (PMID: 19177532, 25227500, 28586915). This variant is present in population databases (no rsID available, gnomAD 0.009%). This variant has not been reported in the literature in individuals affected with MFSD8-related conditions. ClinVar contains an entry for this variant (Variation ID: 578890). For these reasons, this variant has been classified as Pathogenic.

Literature cited by the submitters: PubMed 19177532; PubMed 25227500; PubMed 28586915.

NM_001371596.2(MFSD8):c.1086del (p.Ile364fs)

Gene: MFSD8 (major facilitator superfamily domain containing 8; minus strand). Cytogenetic location: 4q28.2.
Variant type: Deletion.
Coding change: c.1086del on transcript NM_001371596.2 (MANE Select); coding-DNA position 1086, one base deleted (C; older notation c.1086delC).
Protein change: p.Ile364fs; shifts the reading frame from isoleucine 364.
Molecular consequence: frameshift variant.
Genome position (GRCh38, 1-based): chr4:127,921,876, G deleted on the plus strand (C on the coding strand, the reverse complement: MFSD8 is on the minus strand); the first of 3 consecutive G bases (chr4:127,921,876-127,921,878); deleting any one gives the same sequence. VCF-style (leftmost placement, unchanged base first): chr4-127921875-TG-T. GRCh37 (hg19) VCF-style: chr4-128843030-TG-T.
Other names: c.1086del (NM_152778.2); c.883delC, p.Ile297Tyrfs (NM_001363520.3); c.769delC, p.Ile259Tyrfs (NM_001363521.3); c.949delC, p.Ile319Tyrfs (NM_001371590.2); c.1084delC, p.Ile364Tyrfs (NM_001371591.2); c.1090delC, p.Ile366Tyrfs (NM_001371592.2); c.970delC, p.Ile326Tyrfs (NM_001371593.2); c.937delC, p.Ile315Tyrfs (NM_001371594.2); and 3 more; short protein forms I297fs, I259fs, I364fs, I270fs, I315fs, I319fs, I326fs, I366fs.
Identifiers: ClinVar variation 578890 (VCV000578890.9), dbSNP rs1460276679, ClinGen allele CA554736863.